The following is an entry in ClinVar:

NM_198253.3(TERT):c.3010A>T (p.Ile1004Phe)

Gene: TERT (telomerase reverse transcriptase; minus strand). Cytogenetic location: 5p15.33.
Variant type: single nucleotide variant.
Coding change: c.3010A>T on transcript NM_198253.3 (MANE Select); coding-DNA position 3010, A replaced by T.
Protein change: p.Ile1004Phe; replaces isoleucine 1004 with phenylalanine.
Molecular consequence: missense variant. On other transcripts: non-coding transcript variant (2).
Genome position (GRCh38, 1-based): chr5:1,258,620, T>A on the plus strand (A>T on the coding strand, the complement: TERT is on the minus strand). VCF-style: chr5-1258620-T-A. GRCh37 (hg19) VCF-style: chr5-1258735-T-A.
Other names: c.2821A>T, p.Ile941Phe (NM_001193376.3); short protein forms I1004F, I941F.
Identifiers: ClinVar variation 4865490 (VCV004865490.1).

ClinVar aggregate classification (germline): Uncertain significance (1 of 4 stars; one submission).

Conditions:
Dyskeratosis congenita. Identifiers: Orphanet 1775, MedGen C0265965, MONDO:0015780.

Submission:

Ambry Genetics
Classification: Uncertain significance for Dyskeratosis congenita. Last evaluated: 2026-05-30. Review status: criteria provided, single submitter. Criteria: Ambry Variant Classification Scheme 2023. Collection method: clinical testing. Allele origin: germline.
Comment: The p.I1004F variant (also known as c.3010A>T), located in coding exon 13 of the TERT gene, results from an A to T substitution at nucleotide position 3010. The isoleucine at codon 1004 is replaced by phenylalanine, an amino acid with highly similar properties. This amino acid position is conserved. In addition, this alteration is predicted to be tolerated by in silico analysis. Based on the available evidence, the clinical significance of this variant remains unclear.